The following is an entry in ClinVar:

NM_000138.5(FBN1):c.7547C>T (p.Thr2516Ile)

Gene: FBN1 (fibrillin 1; minus strand). Cytogenetic location: 15q21.1.
Variant type: single nucleotide variant.
Coding change: c.7547C>T on transcript NM_000138.5 (MANE Select); coding-DNA position 7547, C replaced by T.
Protein change: p.Thr2516Ile; replaces threonine 2516 with isoleucine.
Molecular consequence: missense variant.
Genome position (GRCh38, 1-based): chr15:48,421,975, G>A on the plus strand (C>T on the coding strand, the complement: FBN1 is on the minus strand). VCF-style: chr15-48421975-G-A. GRCh37 (hg19) VCF-style: chr15-48714172-G-A.
Other names: short protein forms T2516I.
Identifiers: ClinVar variation 919826 (VCV000919826.8), dbSNP rs2042946390, ClinGen allele CA392325877.

ClinVar aggregate classification (germline): Uncertain significance. Review status: criteria provided, multiple submitters, no conflicts (2 of 4 stars). 4 submissions from 4 submitters: Uncertain significance (4). Last evaluated 2024-11-29.

Conditions:
Weill-Marchesani syndrome 2, dominant. Also called: FBN1-Related Weill-Marchesani Syndrome; Weill-Marchesani Syndrome, Autosomal Dominant. Identifiers: Orphanet 2084, MedGen C1869115, MONDO:0012013, OMIM 608328.
Progeroid and marfanoid aspect-lipodystrophy syndrome. Also called: MARFANOID-PROGEROID SYNDROME; MARFAN-PROGEROID-LIPODYSTROPHY SYNDROME; Marfan lipodystrophy syndrome; MARFANOID-PROGEROID-LIPODYSTROPHY SYNDROME. Identifiers: Orphanet 300382, MedGen C4310796, MONDO:0014831, OMIM 616914.
Acromicric dysplasia (ACMICD). Also called: Acromicric skeletal dysplasia. Identifiers: Orphanet 969, MedGen C0265287, MONDO:0007055, OMIM 102370.
Ectopia lentis 1, isolated, autosomal dominant (ECTOL1). Identifiers: Orphanet 1885, MedGen C3541518, MONDO:0007514, OMIM 129600.
Geleophysic dysplasia 2 (GPHYSD2). Identifiers: Orphanet 2623, MedGen C3280054, MONDO:0013612, OMIM 614185.
Marfan syndrome (MFS). Also called: Marfan syndrome, classic; Marfan syndrome type 1; Marfan's syndrome; FBN1-Related Marfan Syndrome; MARFAN SYNDROME, TYPE I. Identifiers: Orphanet 284963, Orphanet 558, MedGen C0024796, MONDO:0007947, OMIM 154700.
MASS syndrome (OCTD). Also called: OVERLAP CONNECTIVE TISSUE DISEASE; MASS PHENOTYPE. Identifiers: MedGen C1858556, MONDO:0011431, OMIM 604308.
Stiff skin syndrome (SSKS). Identifiers: Orphanet 2833, MedGen C1861456, MONDO:0008492, OMIM 184900.
Familial thoracic aortic aneurysm and aortic dissection (TAAD). Also called: Thoracic aortic aneurysms and dissections. Identifiers: Orphanet 91387, MedGen C4707243, MONDO:0019625.

Allele frequency attached by ClinVar (database versions not stated): gnomAD exomes 0.00001.
gnomAD v4.1: 9 of 1,613,714 alleles (0.00056%); highest among the groups gnomAD compares: Non-Finnish European, 0.00076%; no homozygotes.

Submissions (4):

Labcorp Genetics (formerly Invitae), Labcorp
Classification: Uncertain significance for Marfan syndrome; Familial thoracic aortic aneurysm and aortic dissection. Last evaluated: 2024-11-29. Review status: criteria provided, single submitter. Criteria: Invitae Variant Classification Sherloc (09022015). Collection method: clinical testing. Allele origin: germline.
Comment: This sequence change replaces threonine, which is neutral and polar, with isoleucine, which is neutral and non-polar, at codon 2516 of the FBN1 protein (p.Thr2516Ile). This variant is not present in population databases (gnomAD no frequency). This missense change has been observed in individual(s) with FBN1-related conditions (PMID: 17657824). ClinVar contains an entry for this variant (Variation ID: 919826). Invitae Evidence Modeling of protein sequence and biophysical properties (such as structural, functional, and spatial information, amino acid conservation, physicochemical variation, residue mobility, and thermodynamic stability) indicates that this missense variant is expected to disrupt FBN1 protein function with a positive predictive value of 80%. In summary, the available evidence is currently insufficient to determine the role of this variant in disease. Therefore, it has been classified as a Variant of Uncertain Significance.

All of Us Research Program, National Institutes of Health
Classification: Uncertain significance for Marfan syndrome. Last evaluated: 2024-07-10. Review status: criteria provided, single submitter. Criteria: ACMG Guidelines, 2015. Collection method: clinical testing. Allele origin: germline. Inheritance: Autosomal dominant inheritance. Observed: 1 variant allele, 1 heterozygote.
Comment: This missense variant replaces threonine with isoleucine at codon 2516 of the FBN1 protein. Computational prediction tools and conservation analyses are inconclusive regarding the impact of this variant on the protein function. Computational splicing tools suggest that this variant may not impact RNA splicing. To our knowledge, functional assays have not been performed for this variant nor has this variant been reported in individuals affected with cardiovascular disorders in the literature. This variant has not been identified in the general population by the Genome Aggregation Database (gnomAD). Available evidence is insufficient to determine the role of this variant in disease conclusively. Therefore, this variant is classified as a Variant of Uncertain Significance.

This study involves interpretation of variants in research participants for the purpose of population health screening. Participant phenotype was not available at the time of variant classification. Additional details can be found in publication PMID: 35346344, PMCID: PMC8962531

Color Diagnostics, LLC DBA Color Health
Classification: Uncertain significance for Familial thoracic aortic aneurysm and aortic dissection. Last evaluated: 2024-05-30. Review status: criteria provided, single submitter. Criteria: ACMG Guidelines, 2015. Collection method: clinical testing. Allele origin: germline.
Comment: This missense variant replaces threonine with isoleucine at codon 2516 of the FBN1 protein. Computational prediction tools indicate that this variant has a deleterious impact on protein structure and function.To our knowledge, functional studies have not been reported for this variant. This variant has been reported in one individual affected with features of Marfan syndrome but who did not fulfill Marfan syndrome diagnostic criteria (PMID: 17657824). This variant has not been identified in the general population by the Genome Aggregation Database (gnomAD). The available evidence is insufficient to determine the role of this variant in disease conclusively. Therefore, this variant is classified as a Variant of Uncertain Significance.

Fulgent Genetics
Classification: Uncertain significance for Acromicric dysplasia; Ectopia lentis 1, isolated, autosomal dominant; Marfan syndrome; Stiff skin syndrome; MASS syndrome; Weill-Marchesani syndrome 2, dominant; Geleophysic dysplasia 2; Progeroid and marfanoid aspect-lipodystrophy syndrome. Last evaluated: 2021-07-15. Review status: criteria provided, single submitter. Criteria: ACMG Guidelines, 2015. Collection method: clinical testing. Allele origin: unknown.

Literature cited by the submitters: PubMed 17657824 (cited by Labcorp Genetics (formerly Invitae), Labcorp and Color Diagnostics, LLC DBA Color Health).